The following is an entry in ClinVar:

ClinVar aggregate classification (germline): Benign/Likely benign. Review status: criteria provided, multiple submitters, no conflicts (2 of 4 stars). 7 submissions from 7 submitters: Benign (4); Likely benign (3). Last evaluated 2026-04-06.

Conditions:
Ehlers-Danlos syndrome, kyphoscoliotic type, 2. Also called: Ehlers-Danlos syndrome, kyphoscoliotic and deafness type; FKBP14-Kyphoscoliotic Ehlers-Danlos Syndrome; Ehlers-Danlos syndrome with progressive kyphoscoliosis, myopathy, and hearing loss. Identifiers: Orphanet 300179, MedGen C3281160, MONDO:0013800, OMIM 614557.
Cardiovascular phenotype. Identifiers: MedGen CN230736.
Ehlers-Danlos syndrome (EDS). Identifiers: Orphanet 98249, MedGen C0013720, MONDO:0020066.

Allele frequency attached by ClinVar (database versions not stated): TOPMed 0.00068; ESP Exome Variant Server 0.00077; gnomAD exomes 0.00110 and 0.00145; ExAC 0.00116; gnomAD 0.00148 and 0.00150; 1000 Genomes Project 30x 0.00234; 1000 Genomes Project 0.00280.
gnomAD v4.1: 1,771 of 1,581,300 alleles (0.11%); highest among the groups gnomAD compares: Non-Finnish European, 0.1%; 7 homozygotes.

Submissions (7):

Women's Health and Genetics/Laboratory Corporation of America, LabCorp
Classification: Benign. Last evaluated: 2026-04-06. Review status: criteria provided, single submitter. Criteria: LabCorp Variant Classification Summary - May 2015. Collection method: clinical testing. Allele origin: germline.

Labcorp Genetics (formerly Invitae), Labcorp
Classification: Benign for Ehlers-Danlos syndrome, kyphoscoliotic type, 2. Last evaluated: 2026-02-01. Review status: criteria provided, single submitter. Criteria: Invitae Variant Classification Sherloc (09022015). Collection method: clinical testing. Allele origin: germline.

Mayo Clinic Laboratories, Mayo Clinic
Classification: Benign. Last evaluated: 2023-12-29. Review status: criteria provided, single submitter. Criteria: ACMG Guidelines, 2015. Collection method: clinical testing. Allele origin: germline. Observed: 17 variant alleles.
Comment: BS1, BS2, BP4, BP7

CeGaT Center for Human Genetics Tuebingen
Classification: Likely benign. Last evaluated: 2023-07-01. Review status: criteria provided, single submitter. Criteria: CeGaT Center For Human Genetics Tuebingen Variant Classification Criteria Version 2. Collection method: clinical testing. Allele origin: germline. Affected: yes. Observed: 1 variant allele.
Comment: FKBP14: BP4, BS2

GeneDx
Classification: Likely benign. Last evaluated: 2021-10-28. Review status: criteria provided, single submitter. Criteria: GeneDx Variant Classification Process June 2021. Collection method: clinical testing. Allele origin: germline. Affected: yes.

Genome Diagnostics Laboratory, The Hospital for Sick Children
Classification: Likely benign for Ehlers-Danlos syndrome. Last evaluated: 2020-01-01. Review status: criteria provided, single submitter. Criteria: ACMG Guidelines, 2015. Collection method: clinical testing. Allele origin: germline.

Ambry Genetics
Classification: Benign for Cardiovascular phenotype. Last evaluated: 2019-02-17. Review status: criteria provided, single submitter. Criteria: Ambry Variant Classification Scheme 2023. Collection method: clinical testing. Allele origin: germline.

NM_017946.4(FKBP14):c.375G>C (p.Leu125=)

Genes: FKBP14 (FKBP prolyl isomerase 14; minus strand), FKBP14-AS1 (FKBP14 antisense RNA 1; plus strand). Cytogenetic location: 7p14.3.
Variant type: single nucleotide variant.
Coding change: c.375G>C on transcript NM_017946.4 (MANE Select); coding-DNA position 375, G replaced by C.
Protein change: p.Leu125=; no amino-acid change (leucine 125 retained).
Molecular consequence: synonymous variant. On other transcripts: non-coding transcript variant (2).
Genome position (GRCh38, 1-based): chr7:30,019,098, C>G on the plus strand (G>C on the coding strand, the complement: FKBP14 is on the minus strand). VCF-style: chr7-30019098-C-G. GRCh37 (hg19) VCF-style: chr7-30058714-C-G.
Other names: p.Leu125=.
Identifiers: ClinVar variation 390831 (VCV000390831.46), dbSNP rs143268242, ClinGen allele CA4203418.